The following is an entry in ClinVar:

NM_001042492.3(NF1):c.355C>A (p.His119Asn)

Gene: NF1 (neurofibromin 1; plus strand). Cytogenetic location: 17q11.2.
Variant type: single nucleotide variant.
Coding change: c.355C>A on transcript NM_001042492.3 (MANE Select); coding-DNA position 355, C replaced by A.
Protein change: p.His119Asn; replaces histidine 119 with asparagine.
Molecular consequence: missense variant.
Genome position (GRCh38, 1-based): chr17:31,163,252, C>A. VCF-style: chr17-31163252-C-A. GRCh37 (hg19) VCF-style: chr17-29490270-C-A.
Other names: c.355C>A, p.His119Asn (NM_000267.4, NM_001128147.3); short protein forms H119N.
Identifiers: ClinVar variation 567623 (VCV000567623.7), dbSNP rs1555606066, ClinGen allele CA398981772.

ClinVar aggregate classification (germline): Uncertain significance. Review status: criteria provided, multiple submitters, no conflicts (2 of 4 stars). 2 submissions from 2 submitters: Uncertain significance (2). Last evaluated 2024-02-16.

Conditions:
Hereditary cancer-predisposing syndrome. Also called: Neoplastic Syndromes, Hereditary; Tumor predisposition; Hereditary Cancer Syndrome; Hereditary neoplastic syndrome. Identifiers: Orphanet 140162, MedGen C0027672, MeSH D009386, MONDO:0015356.
Cardiovascular phenotype. Identifiers: MedGen CN230736.
Neurofibromatosis, type 1 (NF1). Also called: VON RECKLINGHAUSEN DISEASE; NEUROFIBROMATOSIS, TYPE I, SOMATIC; Peripheral type neurofibromatosis; Neurofibromatosis, type I. Identifiers: Orphanet 636, MedGen C0027831, MONDO:0018975, OMIM 162200. Disease mechanism: loss of function.

gnomAD v4.1: 1 of 1,614,120 alleles (0.000062%); no homozygotes.

Submissions (2):

Labcorp Genetics (formerly Invitae), Labcorp
Classification: Uncertain significance for Neurofibromatosis, type 1. Last evaluated: 2024-02-16. Review status: criteria provided, single submitter. Criteria: Invitae Variant Classification Sherloc (09022015). Collection method: clinical testing. Allele origin: germline.
Comment: This sequence change replaces histidine, which is basic and polar, with asparagine, which is neutral and polar, at codon 119 of the NF1 protein (p.His119Asn). This variant is not present in population databases (gnomAD no frequency). This variant has not been reported in the literature in individuals affected with NF1-related conditions. ClinVar contains an entry for this variant (Variation ID: 567623). Advanced modeling of protein sequence and biophysical properties (such as structural, functional, and spatial information, amino acid conservation, physicochemical variation, residue mobility, and thermodynamic stability) performed at Invitae indicates that this missense variant is expected to disrupt NF1 protein function with a positive predictive value of 80%. In summary, the available evidence is currently insufficient to determine the role of this variant in disease. Therefore, it has been classified as a Variant of Uncertain Significance.

Ambry Genetics
Classification: Uncertain significance for Cardiovascular phenotype; Hereditary cancer-predisposing syndrome. Last evaluated: 2023-12-15. Review status: criteria provided, single submitter. Criteria: Ambry Variant Classification Scheme 2023. Collection method: clinical testing. Allele origin: germline.
Comment: The p.H119N variant (also known as c.355C>A), located in coding exon 4 of the NF1 gene, results from a C to A substitution at nucleotide position 355. The histidine at codon 119 is replaced by asparagine, an amino acid with similar properties. This amino acid position is conserved. In addition, the in silico prediction for this alteration is inconclusive. Since supporting evidence is limited at this time, the clinical significance of this alteration remains unclear.